The following is an entry in ClinVar:

NM_000321.3(RB1):c.539+4A>G

Gene: RB1 (RB transcriptional corepressor 1; plus strand). Cytogenetic location: 13q14.2.
Variant type: single nucleotide variant.
Coding change: c.539+4A>G on transcript NM_000321.3 (MANE Select); 4 bases into the intron after coding-DNA position 539, A replaced by G.
Molecular consequence: intron variant.
Genome position (GRCh38, 1-based): chr13:48,347,867, A>G. VCF-style: chr13-48347867-A-G. GRCh37 (hg19) VCF-style: chr13-48922003-A-G.
Other names: c.539+4A>G (NM_001407165.1, NM_001407166.1).
Identifiers: ClinVar variation 2678281 (VCV002678281.4), dbSNP rs2138091767, ClinGen allele CA2695199741.

ClinVar aggregate classification (germline): Conflicting classifications of pathogenicity. Review status: criteria provided, conflicting classifications (1 of 4 stars). 2 submissions from 2 submitters: Likely pathogenic (1); Uncertain significance (1). Last evaluated 2023-09-25.

Conditions:
Malignant tumor of urinary bladder. Also called: Bladder cancer; Urinary Bladder Neoplasms; Urinary bladder cancer. Identifiers: MedGen C0005684, MONDO:0001187, OMIM 109800.
Retinoblastoma (RB1). Also called: RETINOBLASTOMA, SOMATIC. Identifiers: Orphanet 790, MedGen C0035335, MeSH D012175, MONDO:0008380, OMIM 180200, HP:0009919. Disease mechanism: loss of function. Inheritance: Both sporadic and heritable forms are tested..

Submissions (2):

Baylor Genetics
Classification: Likely pathogenic for Malignant tumor of urinary bladder. Last evaluated: 2023-09-25. Review status: criteria provided, single submitter. Criteria: ACMG Guidelines, 2015. Collection method: clinical testing. Allele origin: unknown.

Labcorp Genetics (formerly Invitae), Labcorp
Classification: Uncertain significance for Retinoblastoma. Last evaluated: 2023-09-08. Review status: criteria provided, single submitter. Criteria: Invitae Variant Classification Sherloc (09022015). Collection method: clinical testing. Allele origin: germline.
Comment: In summary, the available evidence is currently insufficient to determine the role of this variant in disease. Therefore, it has been classified as a Variant of Uncertain Significance. Variants that disrupt the consensus splice site are a relatively common cause of aberrant splicing (PMID: 17576681, 9536098). Algorithms developed to predict the effect of sequence changes on RNA splicing suggest that this variant may disrupt the consensus splice site. This variant has not been reported in the literature in individuals affected with RB1-related conditions. This variant is not present in population databases (gnomAD no frequency). This sequence change falls in intron 5 of the RB1 gene. It does not directly change the encoded amino acid sequence of the RB1 protein. It affects a nucleotide within the consensus splice site.

Literature cited by the submitters: PubMed 17576681 (cited by Labcorp Genetics (formerly Invitae), Labcorp); PubMed 9536098 (cited by Labcorp Genetics (formerly Invitae), Labcorp).